The following is an entry in ClinVar:

ClinVar aggregate classification (germline): Benign (0 of 4 stars; one submission).

Conditions:
FRG1-related disorder. Also called: FRG1-related condition.

Allele frequency attached by ClinVar (database versions not stated): ExAC 0.49923.

Submissions (14):

PreventionGenetics, part of Exact Sciences
Classification: Benign for FRG1-related condition. Last evaluated: 2023-02-13. Review status: no assertion criteria provided. Collection method: clinical testing. Allele origin: germline.
Comment: This variant is classified as benign based on ACMG/AMP sequence variant interpretation guidelines (Richards et al. 2015 PMID: 25741868, with internal and published modifications).

Dr. Peter K. Rogan Lab, Western University
No classification provided (evidence only). Condition: Melanoma. Review status: no classification provided. Collection method: in vitro. Allele origin: not applicable. Functional consequence: retained intron. Not counted in ClinVar's aggregate classification.

Dr. Peter K. Rogan Lab, Western University
No classification provided (evidence only). Condition: Familial cancer of breast. Review status: no classification provided. Collection method: in vitro. Allele origin: not applicable. Functional consequence: retained intron. Not counted in ClinVar's aggregate classification.

Dr. Peter K. Rogan Lab, Western University
No classification provided (evidence only). Condition: Uterine corpus endometrial carcinoma. Review status: no classification provided. Collection method: in vitro. Allele origin: not applicable. Functional consequence: skipped exon. Not counted in ClinVar's aggregate classification.

Dr. Peter K. Rogan Lab, Western University
No classification provided (evidence only). Condition: Uterine corpus endometrial carcinoma. Review status: no classification provided. Collection method: in vitro. Allele origin: not applicable. Functional consequence: skipped exon. Not counted in ClinVar's aggregate classification.

Dr. Peter K. Rogan Lab, Western University
No classification provided (evidence only). Condition: Cervical cancer. Review status: no classification provided. Collection method: in vitro. Allele origin: not applicable. Functional consequence: retained intron. Not counted in ClinVar's aggregate classification.

Dr. Peter K. Rogan Lab, Western University
No classification provided (evidence only). Condition: Cervical cancer. Review status: no classification provided. Collection method: in vitro. Allele origin: not applicable. Functional consequence: retained intron. Not counted in ClinVar's aggregate classification.

Dr. Peter K. Rogan Lab, Western University
No classification provided (evidence only). Condition: Sarcoma. Review status: no classification provided. Collection method: in vitro. Allele origin: not applicable. Functional consequence: skipped exon. Not counted in ClinVar's aggregate classification.

Dr. Peter K. Rogan Lab, Western University
No classification provided (evidence only). Condition: Sarcoma. Review status: no classification provided. Collection method: in vitro. Allele origin: not applicable. Functional consequence: skipped exon. Not counted in ClinVar's aggregate classification.

Dr. Peter K. Rogan Lab, Western University
No classification provided (evidence only). Condition: Sarcoma. Review status: no classification provided. Collection method: in vitro. Allele origin: not applicable. Functional consequence: skipped exon, retained intron. Not counted in ClinVar's aggregate classification.

Dr. Peter K. Rogan Lab, Western University
No classification provided (evidence only). Condition: Sarcoma. Review status: no classification provided. Collection method: in vitro. Allele origin: not applicable. Functional consequence: skipped exon. Not counted in ClinVar's aggregate classification.

Dr. Peter K. Rogan Lab, Western University
No classification provided (evidence only). Condition: Hepatocellular carcinoma. Review status: no classification provided. Collection method: in vitro. Allele origin: not applicable. Functional consequence: retained intron. Not counted in ClinVar's aggregate classification.

Dr. Peter K. Rogan Lab, Western University
No classification provided (evidence only). Condition: Hepatocellular carcinoma. Review status: no classification provided. Collection method: in vitro. Allele origin: not applicable. Functional consequence: skipped exon, retained intron. Not counted in ClinVar's aggregate classification.

Dr. Peter K. Rogan Lab, Western University
No classification provided (evidence only). Condition: Uveal melanoma. Review status: no classification provided. Collection method: in vitro. Allele origin: not applicable. Functional consequence: skipped exon. Not counted in ClinVar's aggregate classification.

NM_004477.3(FRG1):c.537+4A>T

Gene: FRG1 (FSHD region gene 1; plus strand). Cytogenetic location: 4q35.2.
Variant type: single nucleotide variant.
Coding change: c.537+4A>T on transcript NM_004477.3 (MANE Select); 4 bases into the intron after coding-DNA position 537, A replaced by T.
Molecular consequence: intron variant.
Genome position (GRCh38, 1-based): chr4:189,957,506, A>T. VCF-style: chr4-189957506-A-T. GRCh37 (hg19) VCF-style: chr4-190878661-A-T.
Other names: NC_000004.11:g.190878661A>T.
Identifiers: ClinVar variation 3060100 (VCV003060100.3), dbSNP rs62345291, ClinGen allele CA112724485.
Genomic context (GRCh38, chr4:189,957,506, plus strand): 5'-GAAGCAGGGGACATAGAAGCAAAAAGTAAAACAGCAGGAGAAGAAGAAATGATCAAGGTA[A>T]TGATGACATTTTATACAGATGACTGCATTCACACATGCGATGTGACTGTATCTCTTTAAA-3'